The following is an entry in ClinVar:

ClinVar aggregate classification (germline): Uncertain significance (1 of 4 stars; one submission).

Conditions:
Retinoblastoma (RB1). Also called: RETINOBLASTOMA, SOMATIC. Identifiers: Orphanet 790, MedGen C0035335, MeSH D012175, MONDO:0008380, OMIM 180200, HP:0009919. Disease mechanism: loss of function. Inheritance: Both sporadic and heritable forms are tested..

Submission:

Labcorp Genetics (formerly Invitae), Labcorp
Classification: Uncertain significance for Retinoblastoma. Last evaluated: 2024-01-11. Review status: criteria provided, single submitter. Criteria: Invitae Variant Classification Sherloc (09022015). Collection method: clinical testing. Allele origin: germline.
Comment: This variant, c.2294_2296del, results in the deletion of 1 amino acid(s) of the RB1 protein (p.Lys765del), but otherwise preserves the integrity of the reading frame. This variant is not present in population databases (gnomAD no frequency). This variant has not been reported in the literature in individuals affected with RB1-related conditions. Experimental studies and prediction algorithms are not available or were not evaluated, and the functional significance of this variant is currently unknown. In summary, the available evidence is currently insufficient to determine the role of this variant in disease. Therefore, it has been classified as a Variant of Uncertain Significance.

NM_000321.3(RB1):c.2294_2296del (p.Lys765del)

Gene: RB1 (RB transcriptional corepressor 1; plus strand). Cytogenetic location: 13q14.2.
Variant type: Deletion.
Coding change: c.2294_2296del on transcript NM_000321.3 (MANE Select); coding-DNA positions 2294 to 2296, 3 bases deleted (AAA; older notation c.2294_2296delAAA).
Protein change: p.Lys765del; deletes lysine 765.
Molecular consequence: inframe deletion.
Genome position (GRCh38, 1-based): chr13:48,465,080-48,465,082, AAA deleted; deleting any 3 consecutive bases within chr13:48,465,079-48,465,082 gives the same sequence; the c. name uses the placement nearest the transcript's 3' end. VCF-style (leftmost placement, unchanged base first): chr13-48465078-GAAA-G. GRCh37 (hg19) VCF-style: chr13-49039214-GAAA-G.
Other names: c.2294_2296del, p.Lys765del (NM_001407165.1); short protein forms K765del.
Identifiers: ClinVar variation 2708949 (VCV002708949.3), dbSNP rs2542375346, ClinGen allele CA2697551859.